The following is an entry in ClinVar:

NM_001943.5(DSG2):c.81+5_81+10delinsAAGGCAG

Gene: DSG2 (desmoglein 2; plus strand). Cytogenetic location: 18q12.1.
Variant type: Indel.
Coding change: c.81+5_81+10delinsAAGGCAG on transcript NM_001943.5 (MANE Select); bases 5 to 10 of the intron after coding-DNA position 81, GGAAAC replaced by AAGGCAG.
Molecular consequence: intron variant.
Genome position (GRCh38, 1-based): chr18:31,518,279-31,518,284, GGAAAC replaced by AAGGCAG. VCF-style: chr18-31518279-GGAAAC-AAGGCAG. GRCh37 (hg19) VCF-style: chr18-29098242-GGAAAC-AAGGCAG.
Identifiers: ClinVar variation 4759136 (VCV004759136.1).
Genomic context (GRCh38, chr18:31,518,279, plus strand): 5'-CAAATAATTTTATTTTACAGATCTGCTTTAACGTTGGAAGTGGACTTCACTTACAGGTGA[GGAAAC>AAGGCAG]AAAGGGATTATTTCTGCCTTCTGACTCAGGAGGGTTAATTCCATGGCAAACAGGTTGACT-3'

ClinVar aggregate classification (germline): Uncertain significance (1 of 4 stars; one submission).

Conditions:
Cardiomyopathy (CMYO). Also called: Cardiomyopathies. Identifiers: Orphanet 167848, MedGen C0878544, MONDO:0004994, HP:0001638. Inheritance: Various modes of inheritance.

Submission:

Color Diagnostics, LLC DBA Color Health
Classification: Uncertain significance for Cardiomyopathy. Last evaluated: 2025-08-08. Review status: criteria provided, single submitter. Criteria: ACMG Guidelines, 2015. Collection method: clinical testing. Allele origin: germline.
Comment: This variant results in the replacement of 6 nucleotides with 7 novel nucleotides in intron 2 of the DSG2 gene (c.81+5_81+10delinsAAGGCAG). To our knowledge, functional studies have not been reported for this variant. This variant has not been reported in individuals affected with DSG2-related disorders in the literature. This variant has not been identified in the general population by the Genome Aggregation Database (gnomAD). The available evidence is insufficient to determine the role of this variant in disease conclusively. Therefore, this variant is classified as a Variant of Uncertain Significance.